The following is an entry in ClinVar:

ClinVar aggregate classification (germline): Uncertain significance (1 of 4 stars; one submission).

gnomAD v4.1: 4 of 1,613,986 alleles (0.00025%); highest among the groups gnomAD compares: South Asian, 0.0011%; no homozygotes.

Submission:

Ambry Genetics
Classification: Uncertain significance. Last evaluated: 2023-10-04. Review status: criteria provided, single submitter. Criteria: Ambry Variant Classification Scheme 2023. Collection method: clinical testing. Allele origin: germline.
Comment: Does not currently meet published gene-disease clinical validity criteria Based on insufficient or conflicting evidence, the clinical significance of this alteration remains unclear.

Literature cited by the submitters: PubMed 28106320.

NM_017784.5(OSBPL10):c.2215C>T (p.Arg739Cys)

Gene: OSBPL10 (oxysterol binding protein like 10; minus strand). Cytogenetic location: 3p23.
Variant type: single nucleotide variant.
Coding change: c.2215C>T on transcript NM_017784.5 (MANE Select); coding-DNA position 2215, C replaced by T.
Protein change: p.Arg739Cys; replaces arginine 739 with cysteine.
Molecular consequence: missense variant.
Genome position (GRCh38, 1-based): chr3:31,664,114, G>A on the plus strand (C>T on the coding strand, the complement: OSBPL10 is on the minus strand). VCF-style: chr3-31664114-G-A. GRCh37 (hg19) VCF-style: chr3-31705606-G-A.
Other names: c.2023C>T, p.Arg675Cys (NM_001174060.2); short protein forms R739C, R675C.
Identifiers: ClinVar variation 3207027 (VCV003207027.1), dbSNP rs1047992404, ClinGen allele CA72553726.